The following is an entry in ClinVar:

ClinVar aggregate classification (germline): Uncertain significance. Review status: criteria provided, multiple submitters, no conflicts (2 of 4 stars). 3 submissions from 2 submitters: Uncertain significance (2). 1 of the submissions does not count toward it. Last evaluated 2024-06-13.

Conditions:
Spondyloepiphyseal dysplasia, Stanescu type. Also called: SED, STANESCU TYPE; SPONDYLOEPIMETAPHYSEAL DYSPLASIA, STANESCU TYPE. Identifiers: Orphanet 459051, MedGen C4225273, MONDO:0014701, OMIM 616583.

Submissions (3):

Labcorp Genetics (formerly Invitae), Labcorp
Classification: Uncertain significance. Last evaluated: 2024-06-13. Review status: criteria provided, single submitter. Criteria: Invitae Variant Classification Sherloc (09022015). Collection method: clinical testing. Allele origin: germline.
Comment: This sequence change falls in intron 15 of the COL2A1 gene. It does not directly change the encoded amino acid sequence of the COL2A1 protein. This variant is not present in population databases (gnomAD no frequency). This variant has not been reported in the literature in individuals affected with COL2A1-related conditions. ClinVar contains an entry for this variant (Variation ID: 1706543). Algorithms developed to predict the effect of sequence changes on RNA splicing suggest that this variant may disrupt the consensus splice site. In summary, the available evidence is currently insufficient to determine the role of this variant in disease. Therefore, it has been classified as a Variant of Uncertain Significance.

Institute for Medical Genetics and Human Genetics, Charité - Universitätsmedizin Berlin
Classification: Uncertain significance for Spondyloepiphyseal dysplasia, Stanescu type. Last evaluated: 2022-09-27. Review status: criteria provided, single submitter. Criteria: ACMG Guidelines, 2015. Collection method: clinical testing. Allele origin: germline. Inheritance: Autosomal dominant inheritance. Affected: yes. Observed: 1 heterozygote.

Institute for Medical Genetics and Human Genetics, Charité - Universitätsmedizin Berlin
Classification: Uncertain significance. Last evaluated: 2022-09-22. Review status: flagged submission. Criteria: ACMG Guidelines, 2015. Collection method: clinical testing. Allele origin: germline. Inheritance: Autosomal dominant inheritance. Affected: yes. Observed: 1 heterozygote. Not counted in ClinVar's aggregate classification.
ClinVar note: Reason: This record appears to be redundant with a more recent record from the same submitter.
ClinVar note: Notes: SCV002574854 appears to be redundant with SCV002578155.

NM_001844.5(COL2A1):c.970-6T>C

Gene: COL2A1 (collagen type II alpha 1 chain; minus strand). Cytogenetic location: 12q13.11.
Variant type: single nucleotide variant.
Coding change: c.970-6T>C on transcript NM_001844.5 (MANE Select); 6 bases into the intron before coding-DNA position 970, T replaced by C.
Molecular consequence: intron variant.
Genome position (GRCh38, 1-based): chr12:47,992,937, A>G on the plus strand (T>C on the coding strand, the complement: COL2A1 is on the minus strand). VCF-style: chr12-47992937-A-G. GRCh37 (hg19) VCF-style: chr12-48386720-A-G.
Other names: c.763-6T>C (NM_033150.3).
Identifiers: ClinVar variation 1706543 (VCV001706543.6), dbSNP rs2540165736, ClinGen allele CA2580085631.
Genomic context (GRCh38, chr12:47,992,937, plus strand): 5'-CCGCAGCGCCAGCAGGGCCAGTCCGTCCTCTTTCACCAGGCAGGCCACGAGGACCCTGGA[A>G]CACACACCAGGACAGCCTAAGCATGAGTTGGCTTTACGGTGCTCAGGGTGACCATTTCTA-3'